The following is an entry in ClinVar:

NM_001110219.3(GJB6):c.766A>G (p.Ile256Val)

Gene: GJB6 (gap junction protein beta 6; minus strand). Cytogenetic location: 13q12.11.
Variant type: single nucleotide variant.
Coding change: c.766A>G on transcript NM_001110219.3 (MANE Select); coding-DNA position 766, A replaced by G.
Protein change: p.Ile256Val; replaces isoleucine 256 with valine.
Molecular consequence: missense variant.
Genome position (GRCh38, 1-based): chr13:20,222,715, T>C on the plus strand (A>G on the coding strand, the complement: GJB6 is on the minus strand). VCF-style: chr13-20222715-T-C. GRCh37 (hg19) VCF-style: chr13-20796854-T-C.
Other names: c.766A>G, p.Ile256Val (NM_001110220.3, NM_001110221.3, NM_001370090.1 and 3 more transcripts); short protein forms I256V.
Identifiers: ClinVar variation 2501896 (VCV002501896.1), dbSNP rs149845267, ClinGen allele CA6904368.
Genomic context (GRCh38, chr13:20,222,715, plus strand): 5'-AAGTCTCCTTATGACGCAGCTACATTTTACCTTGAAATGTTTAGCTTGGGAAACCTGTGA[T>C]TGCATTTTGACCACTATCTGAAATCAGCTCATTCATTTCATTCTGCTTACTCTCCTTTAG-3'
Protein context (NP_001103689.1, residues 246-261): ELISDSGQNA[Ile256Val]TGFPS

ClinVar aggregate classification (germline): Uncertain significance (1 of 4 stars; one submission).

Allele frequency attached by ClinVar (database versions not stated): gnomAD exomes below 0.00001; TOPMed below 0.00001; gnomAD 0.00001; ExAC 0.00002; 1000 Genomes Project 30x 0.00016; 1000 Genomes Project 0.00020.
gnomAD v4.1: 6 of 1,614,146 alleles (0.00037%); highest among the groups gnomAD compares: Admixed American, 0.0033%; no homozygotes.

Submission:

GeneDx
Classification: Uncertain significance. Last evaluated: 2022-11-09. Review status: criteria provided, single submitter. Criteria: GeneDx Variant Classification Process June 2021. Collection method: clinical testing. Allele origin: germline. Affected: yes.
Comment: In silico analysis supports that this missense variant does not alter protein structure/function; Has not been previously published as pathogenic or benign to our knowledge